The following is an entry in ClinVar:

NM_007294.4(BRCA1):c.4112_4113dup (p.Cys1372fs)

Gene: BRCA1 (BRCA1 DNA repair associated; minus strand). Cytogenetic location: 17q21.31.
Variant type: Duplication.
Coding change: c.4112_4113dup on transcript NM_007294.4 (MANE Select); coding-DNA positions 4112 to 4113, 2 bases duplicated (GG; older notation c.4112_4113dupGG).
Protein change: p.Cys1372fs; shifts the reading frame from cysteine 1372.
Molecular consequence: frameshift variant.
Genome position (GRCh38, 1-based): chr17:43,091,016-43,091,017, CC duplicated on the plus strand (GG on the coding strand, the reverse complement: BRCA1 is on the minus strand); duplicating any 2 consecutive bases within chr17:43,091,016-43,091,018 gives the same sequence; the c. name uses the placement nearest the transcript's 3' end. VCF-style (leftmost placement, unchanged base first): chr17-43091015-A-ACC. GRCh37 (hg19) VCF-style: chr17-41243032-A-ACC.
Other names: c.800_801dup, p.Cys268fs (NM_001407992.1, NM_001408392.1, NM_001408396.1 and 13 more transcripts); c.803_804dup, p.Cys269fs (NM_001407993.1, NM_001408472.1, NM_007298.4 and 17 more transcripts); c.725_726dup, p.Cys243fs (NM_001408412.1, NM_001408414.1, NM_001408415.1 and 2 more transcripts); c.722_723dup, p.Cys242fs (NM_001408413.1, NM_001408416.1); c.686_687dup, p.Cys230fs (NM_001408418.1, NM_001408419.1, NM_001408420.1 and 2 more transcripts); c.683_684dup, p.Cys229fs (NM_001408421.1, NM_001408431.1, NM_001408424.1); c.677_678dup, p.Cys227fs (NM_001408432.1, NM_001408433.1, NM_001408434.1 and 6 more transcripts); c.680_681dup, p.Cys228fs (NM_001408436.1, NM_001408437.1, NM_001408438.1 and 12 more transcripts); and 41 more; short protein forms C101fs, C1076fs, C1204fs, C1244fs, C1245fs, C1260fs, C1261fs, C1283fs.
Identifiers: ClinVar variation 4690225 (VCV004690225.1).

ClinVar aggregate classification (germline): Likely pathogenic (1 of 4 stars; one submission).

Conditions:
Breast-ovarian cancer, familial, susceptibility to, 1 (BROVCA1). Also called: OVARIAN CANCER, SUSCEPTIBILITY TO; BRCA1 Hereditary Breast and Ovarian Cancer. Identifiers: Orphanet 145, MedGen C2676676, MONDO:0011450, OMIM 604370. Disease mechanism: loss of function.

Submission:

EVOGEN
Classification: Likely pathogenic for Breast-ovarian cancer, familial, susceptibility to, 1. Last evaluated: 2025-04-23. Review status: criteria provided, single submitter. Criteria: ACMG Guidelines, 2015. Collection method: clinical testing. Allele origin: germline. Affected: yes.
Comment: PVS1: Null variant (frame-shift) in gene BRCA1, predicted to cause NMD. Loss-of-function is a known mechanism of disease (gene has 3 888 reported pathogenic LOF variants). The exon affects 1 functional domain: UniProt protein BRCA1_HUMAN region of interest 'Disordered'. The exon contains 73 pathogenic variants. The truncated region contains 1 345 pathogenic variants. PM2: Variant not found in gnomAD genomes, good gnomAD genomes coverage = 31.3. Variant not found in gnomAD exomes, good gnomAD exomes coverage = 39.4. Moscow City Health Department financial support